The following is an entry in ClinVar:

ClinVar aggregate classification (germline): Uncertain significance (1 of 4 stars; one submission).

Submission:

Labcorp Genetics (formerly Invitae), Labcorp
Classification: Uncertain significance. Last evaluated: 2022-04-22. Review status: criteria provided, single submitter. Criteria: Invitae Variant Classification Sherloc (09022015). Collection method: clinical testing. Allele origin: germline.
Comment: In summary, the available evidence is currently insufficient to determine the role of this variant in disease. Therefore, it has been classified as a Variant of Uncertain Significance. Algorithms developed to predict the effect of missense changes on protein structure and function are either unavailable or do not agree on the potential impact of this missense change (SIFT: "Deleterious"; PolyPhen-2: "Probably Damaging"; Align-GVGD: "Class C0"). This variant has not been reported in the literature in individuals affected with BCL11B-related conditions. This variant is not present in population databases (gnomAD no frequency). This sequence change replaces glutamine, which is neutral and polar, with histidine, which is basic and polar, at codon 238 of the BCL11B protein (p.Gln238His).

NM_138576.4(BCL11B):c.714G>C (p.Gln238His)

Gene: BCL11B (BCL11 transcription factor B; minus strand). Cytogenetic location: 14q32.2.
Variant type: single nucleotide variant.
Coding change: c.714G>C on transcript NM_138576.4 (MANE Select); coding-DNA position 714, G replaced by C.
Protein change: p.Gln238His; replaces glutamine 238 with histidine.
Molecular consequence: missense variant.
Genome position (GRCh38, 1-based): chr14:99,176,122, C>G on the plus strand (G>C on the coding strand, the complement: BCL11B is on the minus strand). VCF-style: chr14-99176122-C-G. GRCh37 (hg19) VCF-style: chr14-99642459-C-G.
Other names: c.711G>C, p.Gln237His (NM_001282237.2); c.498G>C, p.Gln166His (NM_001282238.2); c.501G>C, p.Gln167His (NM_022898.3); short protein forms Q167H, Q166H, Q238H, Q237H.
Identifiers: ClinVar variation 2129442 (VCV002129442.4), dbSNP rs2503653362, ClinGen allele CA390936926.